The following is an entry in ClinVar:

ClinVar aggregate classification (germline): Benign (0 of 4 stars; one submission).

Conditions:
MYO16-related disorder. Also called: MYO16-related condition.

Allele frequency attached by ClinVar (database versions not stated): 1000 Genomes Project 30x 0.01749; 1000 Genomes Project 0.01777; TOPMed 0.03393; gnomAD 0.03441; ExAC 0.05424.
gnomAD v4.1: 67,780 of 1,494,596 alleles (4.5%); highest among the groups gnomAD compares: Non-Finnish European, 5.1%; 1,722 homozygotes.

Submission:

PreventionGenetics, part of Exact Sciences
Classification: Benign for MYO16-related condition. Last evaluated: 2019-12-13. Review status: no assertion criteria provided. Collection method: clinical testing. Allele origin: germline.
Comment: This variant is classified as benign based on ACMG/AMP sequence variant interpretation guidelines (Richards et al. 2015 PMID: 25741868, with internal and published modifications).

NM_001198950.3(MYO16):c.4449C>T (p.His1483=)

Gene: MYO16 (myosin XVI; plus strand). Cytogenetic location: 13q33.3.
Variant type: single nucleotide variant.
Coding change: c.4449C>T on transcript NM_001198950.3 (MANE Select); coding-DNA position 4449, C replaced by T.
Protein change: p.His1483=; no amino-acid change (histidine 1483 retained).
Molecular consequence: synonymous variant.
Genome position (GRCh38, 1-based): chr13:109,140,661, C>T. VCF-style: chr13-109140661-C-T. GRCh37 (hg19) VCF-style: chr13-109793009-C-T.
Other names: c.4383C>T, p.His1461= (NM_015011.3).
Identifiers: ClinVar variation 3056827 (VCV003056827.2), dbSNP rs141423536, ClinGen allele CA7045703.